The following is an entry in ClinVar:

NM_033542.4(SYS1):c.100C>T (p.Leu34=)

Genes: SYS1 (SYS1 golgi trafficking protein; plus strand), SYS1-DBNDD2 (SYS1-DBNDD2 readthrough (NMD candidate); plus strand). Cytogenetic location: 20q13.12.
Variant type: single nucleotide variant.
Coding change: c.100C>T on transcript NM_033542.4 (MANE Select); coding-DNA position 100, C replaced by T.
Protein change: p.Leu34=; no amino-acid change (leucine 34 retained).
Molecular consequence: synonymous variant. On other transcripts: non-coding transcript variant (1).
Genome position (GRCh38, 1-based): chr20:45,363,631, C>T. VCF-style: chr20-45363631-C-T. GRCh37 (hg19) VCF-style: chr20-43992271-C-T.
Other names: c.100C>T, p.Leu34= (NM_001099791.3, NM_001197129.2).
Identifiers: ClinVar variation 2652348 (VCV002652348.24), dbSNP rs41307197, ClinGen allele CA9877151.

ClinVar aggregate classification (germline): Likely benign (1 of 4 stars; one submission).

Allele frequency attached by ClinVar (database versions not stated): 1000 Genomes Project 30x 0.00109; 1000 Genomes Project 0.00140; TOPMed 0.00278; ESP Exome Variant Server 0.00423; gnomAD 0.00559; gnomAD exomes 0.00608; ExAC 0.00887.
gnomAD v4.1: 9,476 of 1,584,242 alleles (0.6%); highest among the groups gnomAD compares: Non-Finnish European, 0.59%; 69 homozygotes.

Submission:

CeGaT Center for Human Genetics Tuebingen
Classification: Likely benign. Last evaluated: 2023-04-01. Review status: criteria provided, single submitter. Criteria: CeGaT Center For Human Genetics Tuebingen Variant Classification Criteria Version 2. Collection method: clinical testing. Allele origin: germline. Affected: yes. Observed: 1 variant allele.
Comment: SYS1: BP4, BP7, BS2